The following is an entry in ClinVar:

NM_015404.4(WHRN):c.1943C>A (p.Ser648Tyr)

Gene: WHRN (whirlin; minus strand). Cytogenetic location: 9q32.
Variant type: single nucleotide variant.
Coding change: c.1943C>A on transcript NM_015404.4 (MANE Select); coding-DNA position 1943, C replaced by A.
Protein change: p.Ser648Tyr; replaces serine 648 with tyrosine.
Molecular consequence: missense variant.
Genome position (GRCh38, 1-based): chr9:114,406,648, G>T on the plus strand (C>A on the coding strand, the complement: WHRN is on the minus strand). VCF-style: chr9-114406648-G-T. GRCh37 (hg19) VCF-style: chr9-117168928-G-T.
Other names: c.794C>A, p.Ser265Tyr (NM_001083885.3); c.1943C>A, p.Ser648Tyr (NM_001173425.2); c.890C>A, p.Ser297Tyr (NM_001346890.1); c.1943C>A (NM_015404.3); short protein forms S648Y, S265Y, S297Y.
Identifiers: ClinVar variation 199139 (VCV000199139.26), dbSNP rs142653982, ClinGen allele CA248173.

ClinVar aggregate classification (germline): Conflicting classifications of pathogenicity. Review status: criteria provided, conflicting classifications (1 of 4 stars). 7 submissions from 7 submitters: Likely pathogenic (1); Uncertain significance (4); Likely benign (2). Last evaluated 2026-09-09.

Conditions:
WHRN-related disorder. Also called: WHRN-related condition.
Retinal dystrophy. Also called: Inherited retinal dystrophy. Identifiers: Orphanet 71862, MedGen C0854723, MeSH D058499, MONDO:0019118, HP:0000556.
Autosomal recessive nonsyndromic hearing loss 31. Also called: WHIRLER, MOUSE, HOMOLOG OF. Identifiers: Orphanet 90636, MedGen C1846839, MONDO:0011767, OMIM 607084.

Allele frequency attached by ClinVar (database versions not stated): 1000 Genomes Project 30x 0.00016; 1000 Genomes Project 0.00020; gnomAD 0.00090 and 0.00098; TOPMed 0.00103; ESP Exome Variant Server 0.00123.
gnomAD v4.1: 393 of 1,613,252 alleles (0.024%); highest among the groups gnomAD compares: African/African-American, 0.27%; no homozygotes.

Submissions (7):

PreventionGenetics, part of Exact Sciences
Classification: Uncertain significance for WHRN-related condition. Last evaluated: 2026-09-09. Review status: criteria provided, single submitter. Criteria: ACMG Guidelines, 2015. Collection method: clinical testing. Allele origin: germline.
Comment: The WHRN c.1943C>A variant is predicted to result in the amino acid substitution p.Ser648Tyr. This variant has been reported in cis with c.2644C>A (p.Arg882Ser) in individuals with symptoms of Usher syndrome (Aller et al. 2010. PubMed ID: 20352026; Audo et al. 2012. PubMed ID: 22277662; listed as p.Ser265Tyr, Sloan-Heggen et al. 2016. PubMed ID: 26969326). This variant is reported in 0.29% of alleles in individuals of African descent in gnomAD. Although we suspect that this variant could be benign, at this time, the clinical significance of this variant is uncertain due to the absence of conclusive functional and genetic evidence.

Labcorp Genetics (formerly Invitae), Labcorp
Classification: Likely benign. Last evaluated: 2026-01-26. Review status: criteria provided, single submitter. Criteria: Invitae Variant Classification Sherloc (09022015). Collection method: clinical testing. Allele origin: germline.

Blueprint Genetics
Classification: Likely benign. Last evaluated: 2024-10-22. Review status: criteria provided, single submitter. Criteria: ACMG Guidelines, 2015. Collection method: clinical testing. Allele origin: germline.

Laboratory of Prof. Karen Avraham, Tel Aviv University
Classification: Likely pathogenic for Autosomal recessive nonsyndromic hearing loss 31. Last evaluated: 2024-08-20. Review status: criteria provided, single submitter. Criteria: ACMG Guidelines, 2015. Collection method: research. Allele origin: germline. Affected: yes. Observed: 1 variant allele.

Institute of Human Genetics, Univ. Regensburg, Univ. Regensburg
Classification: Uncertain significance for Retinal dystrophy. Last evaluated: 2023-01-01. Review status: criteria provided, single submitter. Criteria: ACMG Guidelines, 2015. Collection method: clinical testing. Allele origin: germline. Affected: yes.

ARUP Laboratories, Molecular Genetics and Genomics, ARUP Laboratories
Classification: Uncertain significance. Last evaluated: 2019-03-18. Review status: criteria provided, single submitter. Criteria: ARUP Molecular Germline Variant Investigation Process. Collection method: clinical testing. Allele origin: germline.
Comment: The WHRN c.1943C>A; p.Ser648Tyr variant (rs142653982; ClinVar Variation ID: 199139) is found in the general population with an overall allele frequency of 0.04% (110/281,586 alleles) in the Genome Aggregation Database. The serine at position 648 is moderately conserved (Alamut software v2.11) and computational analyses (SIFT, PolyPhen-2) of the effects of the p.Ser648Tyr variant on protein structure and function predict a deleterious effect. WHRN variants p.Ser648Tyr and p.Arg882Ser have been identified in multiple hearing loss cohorts (Aller 2010, Audo 2012, and Sloan-Heggen 2016). However, in at least one of these cohorts (Audo 2012) both variants were identified on the same chromosome and no other variants were identified in WHRN. Furthermore, neither variant has been identified in trans with any other pathogenic variant of WHRN. Therefore, the clinical significance of the p.Ser648Tyr and p.Arg882Ser variants cannot be determined with certainty. References: Aller et al. Sequence variants of the DFNB31 gene among Usher syndrome patients of diverse origin. Mol Vis. 2010 Mar 23;16:495-500. Audo et al. Development and application of a next-generation-sequencing (NGS) approach to detect known and novel gene defects underlying retinal diseases. Orphanet J Rare Dis. 2012 Jan 25;7:8. Sloan-Heggen et al. Comprehensive genetic testing in the clinical evaluation of 1119 patients with hearing loss. Hum Genet. 2016 Apr;135(4):441-50.

Eurofins Ntd Llc (ga)
Classification: Uncertain significance. Last evaluated: 2014-12-19. Review status: criteria provided, single submitter. Criteria: EGL Classification Definitions 2015. Collection method: clinical testing. Allele origin: germline. Observed: 1 variant allele, 1 heterozygote.

Literature cited by the submitters: PubMed 26969326 (cited by Institute of Human Genetics, Univ. Regensburg, Univ. Regensburg); PubMed 20352026 (cited by Institute of Human Genetics, Univ. Regensburg, Univ. Regensburg); PubMed 22277662 (cited by Institute of Human Genetics, Univ. Regensburg, Univ. Regensburg).